The following is an entry in ClinVar:

ClinVar aggregate classification (germline): Likely benign (1 of 4 stars; one submission).

Conditions:
ISL1-related disorder. Also called: ISL1-related condition.

Submission:

PreventionGenetics, part of Exact Sciences
Classification: Likely benign for ISL1-related condition. Last evaluated: 2026-01-28. Review status: criteria provided, single submitter. Criteria: ACMG Guidelines, 2015. Collection method: clinical testing. Allele origin: germline.
Comment: This variant is classified as likely benign based on ACMG/AMP sequence variant interpretation guidelines (Richards et al. 2015 PMID: 25741868, with internal and published modifications).

NM_002202.3(ISL1):c.198C>T (p.Tyr66=)

Gene: ISL1 (ISL LIM homeobox 1; plus strand). Cytogenetic location: 5q11.1.
Variant type: single nucleotide variant.
Coding change: c.198C>T on transcript NM_002202.3 (MANE Select); coding-DNA position 198, C replaced by T.
Protein change: p.Tyr66=; no amino-acid change (tyrosine 66 retained).
Molecular consequence: synonymous variant.
Genome position (GRCh38, 1-based): chr5:51,384,710, C>T. VCF-style: chr5-51384710-C-T. GRCh37 (hg19) VCF-style: chr5-50680544-C-T.
Identifiers: ClinVar variation 4990967 (VCV004990967.1).
Genomic context (GRCh38, chr5:51,384,710, plus strand): 5'-GGAGTGTAATCAGTATTTGGACGAGAGCTGTACATGCTTTGTTAGGGATGGGAAAACCTA[C>T]TGTAAAAGAGATTATATCAGGTATGGCATTTACACTTCTTTCTTAATTTTGTGGGATTTC-3'
Protein context (NP_002193.2, residues 56-76): CTCFVRDGKT[Tyr66=]CKRDYIRLYG